The following is an entry in ClinVar:

NM_000430.4(PAFAH1B1):c.603G>T (p.Met201Ile)

Gene: PAFAH1B1 (platelet activating factor acetylhydrolase 1b regulatory subunit 1; plus strand). Cytogenetic location: 17p13.3.
Variant type: single nucleotide variant.
Coding change: c.603G>T on transcript NM_000430.4 (MANE Select); coding-DNA position 603, G replaced by T.
Protein change: p.Met201Ile; replaces methionine 201 with isoleucine.
Molecular consequence: missense variant.
Genome position (GRCh38, 1-based): chr17:2,672,689, G>T. VCF-style: chr17-2672689-G-T. GRCh37 (hg19) VCF-style: chr17-2575983-G-T.
Other names: short protein forms M201I.
Identifiers: ClinVar variation 2710721 (VCV002710721.3), dbSNP rs747123825, ClinGen allele CA397641201.

ClinVar aggregate classification (germline): Uncertain significance (1 of 4 stars; one submission).

Submission:

Labcorp Genetics (formerly Invitae), Labcorp
Classification: Uncertain significance. Last evaluated: 2024-01-22. Review status: criteria provided, single submitter. Criteria: Invitae Variant Classification Sherloc (09022015). Collection method: clinical testing. Allele origin: germline.
Comment: This sequence change replaces methionine, which is neutral and non-polar, with isoleucine, which is neutral and non-polar, at codon 201 of the PAFAH1B1 protein (p.Met201Ile). This variant is not present in population databases (gnomAD no frequency). This variant has not been reported in the literature in individuals affected with PAFAH1B1-related conditions. An algorithm developed to predict the effect of missense changes on protein structure and function (PolyPhen-2) suggests that this variant is likely to be tolerated. In summary, the available evidence is currently insufficient to determine the role of this variant in disease. Therefore, it has been classified as a Variant of Uncertain Significance.